The following is an entry in ClinVar:

ClinVar aggregate classification (germline): Likely benign (1 of 4 stars; one submission).

Conditions:
TMEM114-related disorder. Also called: TMEM114-related condition.

Allele frequency attached by ClinVar (database versions not stated): gnomAD exomes below 0.00001; gnomAD 0.00001; TOPMed 0.00002.
gnomAD v4.1: 2 of 398,446 alleles (0.0005%); highest among the groups gnomAD compares: Non-Finnish European, 0.00088%; no homozygotes.

Submission:

PreventionGenetics, part of Exact Sciences
Classification: Likely benign for TMEM114-related condition. Last evaluated: 2020-07-08. Review status: criteria provided, single submitter. Criteria: ACMG Guidelines, 2015. Collection method: clinical testing. Allele origin: germline.
Comment: This variant is classified as likely benign based on ACMG/AMP sequence variant interpretation guidelines (Richards et al. 2015 PMID: 25741868, with internal and published modifications).

NM_001146336.2(TMEM114):c.186G>C (p.Leu62=)

Gene: TMEM114 (transmembrane protein 114; minus strand). Cytogenetic location: 16p13.2.
Variant type: single nucleotide variant.
Coding change: c.186G>C on transcript NM_001146336.2 (MANE Select); coding-DNA position 186, G replaced by C.
Protein change: p.Leu62=; no amino-acid change (leucine 62 retained).
Molecular consequence: synonymous variant. On other transcripts: non-coding transcript variant (1), intron variant (1).
Genome position (GRCh38, 1-based): chr16:8,589,653, C>G on the plus strand (G>C on the coding strand, the complement: TMEM114 is on the minus strand). VCF-style: chr16-8589653-C-G.
Other names: c.186G>C, p.Leu62= (NM_001290095.2, NM_001290098.1); c.-23-360G>C (NM_001290097.2).
Identifiers: ClinVar variation 3036348 (VCV003036348.1), dbSNP rs1902422735, ClinGen allele CA974404514.